The following is an entry in ClinVar:

ClinVar aggregate classification (germline): Uncertain significance (1 of 4 stars; one submission).

Allele frequency attached by ClinVar (database versions not stated): gnomAD exomes below 0.00001.
gnomAD v4.1: 1 of 1,593,344 alleles (0.000063%); highest among the groups gnomAD compares: Non-Finnish European, 0.000086%; no homozygotes.

Submission:

Labcorp Genetics (formerly Invitae), Labcorp
Classification: Uncertain significance. Last evaluated: 2022-10-20. Review status: criteria provided, single submitter. Criteria: Invitae Variant Classification Sherloc (09022015). Collection method: clinical testing. Allele origin: germline.
Comment: This sequence change replaces valine, which is neutral and non-polar, with isoleucine, which is neutral and non-polar, at codon 679 of the IARS2 protein (p.Val679Ile). In summary, the available evidence is currently insufficient to determine the role of this variant in disease. Therefore, it has been classified as a Variant of Uncertain Significance. Algorithms developed to predict the effect of missense changes on protein structure and function output the following: SIFT: "Tolerated"; PolyPhen-2: "Benign"; Align-GVGD: "Class C0". The isoleucine amino acid residue is found in multiple mammalian species, which suggests that this missense change does not adversely affect protein function. This variant has not been reported in the literature in individuals affected with IARS2-related conditions. This variant is not present in population databases (gnomAD no frequency).

NM_018060.4(IARS2):c.2035G>A (p.Val679Ile)

Gene: IARS2 (isoleucyl-tRNA synthetase 2, mitochondrial; plus strand). Cytogenetic location: 1q41.
Variant type: single nucleotide variant.
Coding change: c.2035G>A on transcript NM_018060.4 (MANE Select); coding-DNA position 2035, G replaced by A.
Protein change: p.Val679Ile; replaces valine 679 with isoleucine.
Molecular consequence: missense variant.
Genome position (GRCh38, 1-based): chr1:220,136,897, G>A. VCF-style: chr1-220136897-G-A. GRCh37 (hg19) VCF-style: chr1-220310239-G-A.
Other names: short protein forms V679I.
Identifiers: ClinVar variation 2965859 (VCV002965859.3), dbSNP rs1657388693, ClinGen allele CA344612217.